The following is an entry in ClinVar:

ClinVar aggregate classification (germline): Uncertain significance. Review status: criteria provided, multiple submitters, no conflicts (2 of 4 stars). 6 submissions from 6 submitters: Uncertain significance (6). Last evaluated 2026-01-13.

Conditions:
Hereditary nonpolyposis colorectal neoplasms. Identifiers: MedGen C0009405, MeSH D003123.
Hereditary cancer-predisposing syndrome. Also called: Neoplastic Syndromes, Hereditary; Tumor predisposition; Hereditary Cancer Syndrome; Hereditary neoplastic syndrome. Identifiers: Orphanet 140162, MedGen C0027672, MeSH D009386, MONDO:0015356.
Endometrial carcinoma. Also called: Endometrial carcinoma, somatic. Identifiers: MedGen C0476089, MONDO:0002447, OMIM 608089, HP:0012114.

Submissions (6):

Labcorp Genetics (formerly Invitae), Labcorp
Classification: Uncertain significance for Hereditary nonpolyposis colorectal neoplasms. Last evaluated: 2026-01-13. Review status: criteria provided, single submitter. Criteria: Invitae Variant Classification Sherloc (09022015). Collection method: clinical testing. Allele origin: germline.
Comment: This sequence change replaces threonine, which is neutral and polar, with serine, which is neutral and polar, at codon 636 of the MSH6 protein (p.Thr636Ser). This variant is not present in population databases (gnomAD no frequency). This variant has not been reported in the literature in individuals affected with MSH6-related conditions. ClinVar contains an entry for this variant (Variation ID: 483839). Invitae Evidence Modeling of protein sequence and biophysical properties (such as structural, functional, and spatial information, amino acid conservation, physicochemical variation, residue mobility, and thermodynamic stability) indicates that this missense variant is not expected to disrupt MSH6 protein function with a negative predictive value of 95%. In summary, the available evidence is currently insufficient to determine the role of this variant in disease. Therefore, it has been classified as a Variant of Uncertain Significance.

Ambry Genetics
Classification: Uncertain significance for Hereditary cancer-predisposing syndrome. Last evaluated: 2025-08-25. Review status: criteria provided, single submitter. Criteria: Ambry Variant Classification Scheme 2023. Collection method: clinical testing. Allele origin: germline.
Comment: The p.T636S variant (also known as c.1907C>G), located in coding exon 4 of the MSH6 gene, results from a C to G substitution at nucleotide position 1907. The threonine at codon 636 is replaced by serine, an amino acid with similar properties. This amino acid position is not well conserved in available vertebrate species. In addition, this alteration is predicted to be tolerated by in silico analysis. Since supporting evidence is limited at this time, the clinical significance of this alteration remains unclear.

Center for Genomic Medicine, Rigshospitalet, Copenhagen University Hospital
Classification: Uncertain significance. Last evaluated: 2025-03-04. Review status: criteria provided, single submitter. Criteria: ACMG Guidelines, 2015. Collection method: clinical testing. Allele origin: germline.

Quest Diagnostics Nichols Institute San Juan Capistrano
Classification: Uncertain significance. Last evaluated: 2024-11-02. Review status: criteria provided, single submitter. Criteria: Quest Diagnostics criteria. Collection method: clinical testing. Allele origin: unknown.
Comment: The MSH6 c.1907C>G (p.Thr636Ser) variant has not been reported in individuals with MSH6-related conditions in the published literature. However, it has been observed in a reportedly healthy control individual in a case-control study (PMID: 36243179 (2022)). It also has not been reported in large, multi-ethnic general populations (Genome Aggregation Database). Analysis of this variant using bioinformatics tools for the prediction of the effect of amino acid changes on protein structure and function yielded predictions that this variant is benign. Based on the available information, we are unable to determine the clinical significance of this variant.

Color Diagnostics, LLC DBA Color Health
Classification: Uncertain significance for Hereditary cancer-predisposing syndrome. Last evaluated: 2024-09-03. Review status: criteria provided, single submitter. Criteria: ACMG Guidelines, 2015. Collection method: clinical testing. Allele origin: germline.
Comment: This missense variant replaces threonine with serine at codon 636 of the MSH6 protein. Computational prediction suggests that this variant may not impact protein structure and function (internally defined REVEL score threshold <= 0.5, PMID: 27666373). To our knowledge, functional studies have not been reported for this variant. This variant has not been reported in individuals affected with MSH6-related disorders in the literature. This variant has not been identified in the general population by the Genome Aggregation Database (gnomAD). The available evidence is insufficient to determine the role of this variant in disease conclusively. Therefore, this variant is classified as a Variant of Uncertain Significance.

Baylor Genetics
Classification: Uncertain significance for Endometrial carcinoma. Last evaluated: 2023-08-14. Review status: criteria provided, single submitter. Criteria: ACMG Guidelines, 2015. Collection method: clinical testing. Allele origin: unknown.

Literature cited by the submitters: PubMed 36243179 (cited by Quest Diagnostics Nichols Institute San Juan Capistrano).

NM_000179.3(MSH6):c.1907C>G (p.Thr636Ser)

Gene: MSH6 (mutS homolog 6; plus strand). Cytogenetic location: 2p16.3.
Variant type: single nucleotide variant.
Coding change: c.1907C>G on transcript NM_000179.3 (MANE Select); coding-DNA position 1907, C replaced by G.
Protein change: p.Thr636Ser; replaces threonine 636 with serine.
Molecular consequence: missense variant.
Genome position (GRCh38, 1-based): chr2:47,799,890, C>G. VCF-style: chr2-47799890-C-G. GRCh37 (hg19) VCF-style: chr2-48027029-C-G.
Other names: c.1517C>G, p.Thr506Ser (NM_001281492.2); c.1001C>G, p.Thr334Ser (NM_001281493.2, NM_001281494.2); short protein forms T636S, T334S, T506S.
Identifiers: ClinVar variation 483839 (VCV000483839.21), dbSNP rs1553413281, ClinGen allele CA346750159.